The following is an entry in ClinVar:

ClinVar aggregate classification (germline): Uncertain significance (1 of 4 stars; one submission).

gnomAD v4.1: 1 of 1,613,656 alleles (0.000062%); highest among the groups gnomAD compares: Non-Finnish European, 0.000085%; no homozygotes.

Submission:

Labcorp Genetics (formerly Invitae), Labcorp
Classification: Uncertain significance. Last evaluated: 2025-05-13. Review status: criteria provided, single submitter. Criteria: Invitae Variant Classification Sherloc (09022015). Collection method: clinical testing. Allele origin: germline.
Comment: This sequence change replaces leucine, which is neutral and non-polar, with proline, which is neutral and non-polar, at codon 806 of the TUBGCP6 protein (p.Leu806Pro). This variant is not present in population databases (gnomAD no frequency). This variant has not been reported in the literature in individuals affected with TUBGCP6-related conditions. An algorithm developed to predict the effect of missense changes on protein structure and function (PolyPhen-2) suggests that this variant is likely to be tolerated. In summary, the available evidence is currently insufficient to determine the role of this variant in disease. Therefore, it has been classified as a Variant of Uncertain Significance.

NM_020461.4(TUBGCP6):c.2417T>C (p.Leu806Pro)

Gene: TUBGCP6 (tubulin gamma complex component 6; minus strand). Cytogenetic location: 22q13.33.
Variant type: single nucleotide variant.
Coding change: c.2417T>C on transcript NM_020461.4 (MANE Select); coding-DNA position 2417, T replaced by C.
Protein change: p.Leu806Pro; replaces leucine 806 with proline.
Molecular consequence: missense variant.
Genome position (GRCh38, 1-based): chr22:50,222,095, A>G on the plus strand (T>C on the coding strand, the complement: TUBGCP6 is on the minus strand). VCF-style: chr22-50222095-A-G. GRCh37 (hg19) VCF-style: chr22-50660524-A-G.
Other names: short protein forms L806P.
Identifiers: ClinVar variation 4771249 (VCV004771249.1).